The following is an entry in ClinVar:

NM_000257.4(MYH7):c.1750G>C (p.Gly584Arg)

Gene: MYH7 (myosin heavy chain 7; minus strand). Cytogenetic location: 14q11.2.
Variant type: single nucleotide variant.
Coding change: c.1750G>C on transcript NM_000257.4 (MANE Select); coding-DNA position 1750, G replaced by C.
Protein change: p.Gly584Arg; replaces glycine 584 with arginine.
Molecular consequence: missense variant.
Genome position (GRCh38, 1-based): chr14:23,427,723, C>G on the plus strand (G>C on the coding strand, the complement: MYH7 is on the minus strand). VCF-style: chr14-23427723-C-G. GRCh37 (hg19) VCF-style: chr14-23896932-C-G.
Other names: p.G584R:GGC>CGC; NM_000257.3(MYH7):c.1750G>C; short protein forms G584R.
Identifiers: ClinVar variation 14090 (VCV000014090.37), dbSNP rs121913626, ClinGen allele CA011186.

ClinVar aggregate classification (germline): Pathogenic. Review status: reviewed by expert panel (3 of 4 stars). 17 submissions from 17 submitters: Pathogenic (1). 16 of the submissions do not count toward it. Last evaluated 2016-12-15.

Conditions:
MYH7-related disorder. Also called: MYH7-related condition; MYH7-related disease; MYH7-related disorders.
Cardiovascular phenotype. Identifiers: MedGen CN230736.
Cardiomyopathy (CMYO). Also called: Cardiomyopathies. Identifiers: Orphanet 167848, MedGen C0878544, MONDO:0004994, HP:0001638. Inheritance: Various modes of inheritance.
Hypertrophic cardiomyopathy 1 (CMH1). Also called: MYH7-Related Familial Hypertrophic Cardiomyopathy; Familial hypertrophic cardiomyopathy 1. Identifiers: MedGen C3495498, MONDO:0008647, OMIM 192600.
Hypertrophic cardiomyopathy. Also called: HYPERTROPHIC MYOCARDIOPATHY. Identifiers: Orphanet 217569, MedGen C0007194, MeSH D002312, MONDO:0005045, HP:0001639.

Allele frequency attached by ClinVar (database versions not stated): gnomAD exomes below 0.00001.
gnomAD v4.1: 7 of 1,614,158 alleles (0.00043%); highest among the groups gnomAD compares: Non-Finnish European, 0.00059%; no homozygotes.

Submissions 1 to 7 of 17:

ClinGen Cardiomyopathy Variant Curation Expert Panel
Classification: Pathogenic for Hypertrophic cardiomyopathy. Last evaluated: 2016-12-15. Review status: reviewed by expert panel. Criteria: ClinGen CMP ACMG Specifications v1. Collection method: curation. Allele origin: germline. Inheritance: Autosomal dominant inheritance.
Comment: The c.1750G>C (p.Gly584Arg) variant in MYH7 has been reported in >25 individuals with hypertrophic cardiomyopathy (PS4; PMID:1552912; PMID:10567705; PMID:24093860; Partners LMM ClinVar SCV000059395.5; SHaRe consortium, PMID: 30297972). This variant segregated with disease in >5 affected individuals (PP1_Moderate; PMID:1552912; Partners LMM ClinVar SCV000059395.5). This variant was absent from large population studies (PM2). This variant lies in the head region of the protein (aa 181-937) and missense variants in this region are statistically more likely to be disease-associated (PM1; PMID:27532257). Computational prediction tools and conservation analysis suggest that this variant may impact the protein (PP3). In summary, this variant meets criteria to be classified as pathogenic for hypertrophic cardiomyopathy in an autosomal dominant manner. MYH7-specific ACMG/AMP criteria applied (PMID:29300372): PS4; PM1; PM2; PP1_Moderate; PP3

Dasa
Classification: Pathogenic. Last evaluated: 2026-02-19. Review status: criteria provided, single submitter. Criteria: DASA Assertion Criteria. Collection method: clinical testing. Allele origin: germline. Not counted in ClinVar's aggregate classification.
Comment: NM_000257.4(MYH7):c.1750G>C (p.Gly584Arg) is a missense variant that results in the substitution of glycine with arginine. The affected residue or protein region has prior evidence supporting clinical relevance. Segregation evidence has been reported in affected families. Functional evidence supports a deleterious effect on the gene or gene product (PMID: 1552912; PMID: 10567705; PMID: 24093860; PMID: 30297972; PMID: 27532257). This variant has been recurrently observed in individuals with related phenotype (PMID: 1552912; PMID: 10567705; PMID: 24093860; PMID: 30297972; PMID: 27532257). Multiple computational predictions support a deleterious effect on the gene or gene product. The variant is present at low frequency in population datasets. Based on the available data, this variant is classified as pathogenic.

Labcorp Genetics (formerly Invitae), Labcorp
Classification: Pathogenic for Hypertrophic cardiomyopathy. Last evaluated: 2025-11-03. Review status: criteria provided, single submitter. Criteria: Invitae Variant Classification Sherloc (09022015). Collection method: clinical testing. Allele origin: germline. Not counted in ClinVar's aggregate classification.
Comment: This sequence change replaces glycine, which is neutral and non-polar, with arginine, which is basic and polar, at codon 584 of the MYH7 protein (p.Gly584Arg). This variant is present in population databases (rs121913626, gnomAD 0.0009%). This missense change has been observed in individuals with hypertrophic cardiomyopathy (PMID: 8250038, 22429680, 24093860). It has also been observed to segregate with disease in related individuals. ClinVar contains an entry for this variant (Variation ID: 14090). Invitae Evidence Modeling of protein sequence and biophysical properties (such as structural, functional, and spatial information, amino acid conservation, physicochemical variation, residue mobility, and thermodynamic stability) indicates that this missense variant is expected to disrupt MYH7 protein function with a positive predictive value of 95%. Experimental studies have shown that this missense change affects MYH7 function (PMID: 12953063). This variant disrupts the p.Gly584 amino acid residue in MYH7. Other variant(s) that disrupt this residue have been determined to be pathogenic (PMID: 12974739, 23283745, 24510615, 26187847). This suggests that this residue is clinically significant, and that variants that disrupt this residue are likely to be disease-causing. For these reasons, this variant has been classified as Pathogenic.

Molecular Diagnostic Laboratory for Inherited Cardiovascular Disease, Montreal Heart Institute
Classification: Pathogenic for Cardiovascular phenotype. Last evaluated: 2025-02-11. Review status: criteria provided, single submitter. Criteria: ACMG Guidelines, 2015. Collection method: clinical testing. Allele origin: germline. Affected: yes. Not counted in ClinVar's aggregate classification.
Comment: PS4, PP1_strong, PM1, PM2, PM5, PP3

Ambry Genetics
Classification: Pathogenic for Cardiovascular phenotype. Last evaluated: 2025-01-16. Review status: criteria provided, single submitter. Criteria: Ambry Variant Classification Scheme 2023. Collection method: clinical testing. Allele origin: germline. Not counted in ClinVar's aggregate classification.
Comment: The p.G584R pathogenic mutation (also known as c.1750G>C), located in coding exon 14 of the MYH7 gene, results from a G to C substitution at nucleotide position 1750. The glycine at codon 584 is replaced by arginine, an amino acid with dissimilar properties. This alteration is located in the myosin head domain, which contains a statistically significant clustering of pathogenic missense variants (Homburger JR et al. Proc Natl Acad Sci U S A, 2016 06;113:6701-6; Walsh R et al. Genet Med, 2017 02;19:192-203; Ambry internal data). This variant was identified in one or more individuals with features consistent with hypertrophic cardiomyopathy (HCM) and segregated with disease in at least one family (Solomon SD et al. J. Am. Coll. Cardiol., 1993 Aug;22:498-505; Watkins H et al. Am. J. Hum. Genet., 1993 Dec;53:1180-5; Marsiglia JD et al. Am. Heart J., 2013 Oct;166:775-82; Walsh R et al. Genet. Med., 2017 02;19:192-203). Functional studies have suggested that this alteration leads to impaired function and increased myofibril disarray (Fujita H et al. J. Clin. Invest., 1997 Mar;99:1010-5; Wang Q et al. J. Cell. Sci., 2003 Oct;116:4227-38). Other variant(s) at the same codon,p.G584S (c.1750G>A), have been identified in individual(s) with features consistent with HCM (Erdmann J et al. Clin Genet. 2003;64(4):339-49). This amino acid position is highly conserved in available vertebrate species. In addition, this alteration is predicted to be deleterious by in silico analysis. This variant is considered to be rare based on population cohorts in the Genome Aggregation Database (gnomAD). Based on the supporting evidence, this alteration is interpreted as a disease-causing mutation.

Illumina Laboratory Services, Illumina
Classification: Pathogenic for Hypertrophic cardiomyopathy 1. Last evaluated: 2024-10-28. Review status: criteria provided, single submitter. Criteria: ICSLVariantClassificationCriteria RUGD 01 April 2020. Collection method: clinical testing. Allele origin: unknown. Not counted in ClinVar's aggregate classification.
Comment: The MYH7 c.1750G>C p.(Gly584Arg) missense variant has been observed in more than ten individuals with a phenotype consistent with hypertrophic cardiomyopathy, and has been shown to segregate with disease in multiple families (PMID: 8250038, 24093860, 30297972). Additionally, a different amino acid substitution at the same codon p.(Gly584Ser) has been reported in individuals with hypertrophic cardiomyopathy. Functional studies conducted in non-human cells demonstrated that this variant impacts cytoskeletal organization in cardiomyocytes (PMID: 12953063). This variant is not observed at a significant frequency in version 2.1.1 or version 4.1.0 of the Genome Aggregation Database. Multiple lines of computational evidence suggest the variant may impact the gene or gene product. Based on the available evidence, the c.1750G>C p.(Gly584Arg) is classified as pathogenic for hypertrophic cardiomyopathy.

ARUP Laboratories, Molecular Genetics and Genomics, ARUP Laboratories
Classification: Pathogenic. Last evaluated: 2024-10-25. Review status: criteria provided, single submitter. Criteria: ARUP Molecular Germline Variant Investigation Process 2024. Collection method: clinical testing. Allele origin: germline. Not counted in ClinVar's aggregate classification.
Comment: The MYH7 c.1750G>C; p.Gly584Arg variant (rs121913626, ClinVar Variation ID: 14090) is a common pathogenic variant reported in the literature in numerous individuals affected with hypertrophic cardiomyopathy (Marsiglia 2013, Nier 1999, Walsh 2017, Watkins 1992). This variant is only observed on one allele in the Genome Aggregation Database (v2.1.1), indicating it is not a common polymorphism. Computational analyses predict that this variant is deleterious (REVEL: 0.922). Based on available information, this variant is considered to be pathogenic. References: Marsiglia JD et al. Screening of MYH7, MYBPC3, and TNNT2 genes in Brazilian patients with hypertrophic cardiomyopathy. Am Heart J. 2013 Oct;166(4):775-82. PMID: 24093860. Nier V et al. Variability in the ratio of mutant to wildtype myosin heavy chain present in the soleus muscle of patients with familial hypertrophic cardiomyopathy. A new approach for the quantification of mutant to wildtype protein. FEBS Lett. 1999 Nov 19;461(3):246-52. PMID: 10567705. Walsh R et al. Reassessment of Mendelian gene pathogenicity using 7,855 cardiomyopathy cases and 60,706 reference samples. Genet Med. 2017 Feb;19(2):192-203. PMID: 27532257. Watkins H et al. Characteristics and prognostic implications of myosin missense mutations in familial hypertrophic cardiomyopathy. N Engl J Med. 1992 Apr 23;326(17):1108-14. PMID: 1552912.